The following is an entry in ClinVar:

ClinVar aggregate classification (germline): Uncertain significance (1 of 4 stars; one submission).

Submission:

Labcorp Genetics (formerly Invitae), Labcorp
Classification: Uncertain significance. Last evaluated: 2022-02-24. Review status: criteria provided, single submitter. Criteria: Invitae Variant Classification Sherloc (09022015). Collection method: clinical testing. Allele origin: germline.
Comment: This variant has not been reported in the literature in individuals affected with FRMD7-related conditions. This sequence change creates a premature translational stop signal (p.Leu610*) in the FRMD7 gene. While this is not anticipated to result in nonsense mediated decay, it is expected to disrupt the last 105 amino acid(s) of the FRMD7 protein. This variant is not present in population databases (gnomAD no frequency). ClinVar contains an entry for this variant (Variation ID: 969035). Experimental studies and prediction algorithms are not available or were not evaluated, and the functional significance of this variant is currently unknown. In summary, the available evidence is currently insufficient to determine the role of this variant in disease. Therefore, it has been classified as a Variant of Uncertain Significance.

NM_194277.3(FRMD7):c.1829T>G (p.Leu610Ter)

Gene: FRMD7 (FERM domain containing 7; minus strand). Cytogenetic location: Xq26.2.
Variant type: single nucleotide variant.
Coding change: c.1829T>G on transcript NM_194277.3 (MANE Select); coding-DNA position 1829, T replaced by G.
Protein change: p.Leu610Ter; replaces leucine 610 with a stop codon.
Molecular consequence: nonsense.
Genome position (GRCh38, 1-based): chrX:132,078,188, A>C on the plus strand (T>G on the coding strand, the complement: FRMD7 is on the minus strand). VCF-style: chrX-132078188-A-C. GRCh37 (hg19) VCF-style: chrX-131212216-A-C.
Other names: c.1784T>G, p.Leu595Ter (NM_001306193.2); short protein forms L610*, L595*.
Identifiers: ClinVar variation 969035 (VCV000969035.8), dbSNP rs1927674875, ClinGen allele CA414678205.